The following is an entry in ClinVar:

ClinVar aggregate classification (germline): Pathogenic (1 of 4 stars; one submission).

Conditions:
Cardiovascular phenotype. Identifiers: MedGen CN230736.

Submission:

Ambry Genetics
Classification: Pathogenic for Cardiovascular phenotype. Last evaluated: 2023-05-10. Review status: criteria provided, single submitter. Criteria: Ambry Variant Classification Scheme 2023. Collection method: clinical testing. Allele origin: germline.
Comment: The c.205delC pathogenic mutation, located in coding exon 2 of the ENG gene, results from a deletion of one nucleotide at nucleotide position 205, causing a translational frameshift with a predicted alternate stop codon (p.L69Wfs*12). This variant is considered to be rare based on population cohorts in the Genome Aggregation Database (gnomAD). This alteration is expected to result in loss of function by premature protein truncation or nonsense-mediated mRNA decay. As such, this alteration is interpreted as a disease-causing mutation.

NM_001114753.3(ENG):c.205del (p.Leu69fs)

Gene: ENG (endoglin; minus strand). Cytogenetic location: 9q34.11.
Variant type: Deletion.
Coding change: c.205del on transcript NM_001114753.3 (MANE Select); coding-DNA position 205, one base deleted (C; older notation c.205delC).
Protein change: p.Leu69fs; shifts the reading frame from leucine 69.
Molecular consequence: frameshift variant. On other transcripts: 5 prime UTR variant (1).
Genome position (GRCh38, 1-based): chr9:127,843,108, G deleted on the plus strand (C on the coding strand, the reverse complement: ENG is on the minus strand); the first of 2 consecutive G bases (chr9:127,843,108-127,843,109); deleting either gives the same sequence. VCF-style (leftmost placement, unchanged base first): chr9-127843107-AG-A. GRCh37 (hg19) VCF-style: chr9-130605386-AG-A.
Other names: c.205del, p.Leu69fs (NM_000118.4, NM_001406715.1); c.-342del (NM_001278138.2); short protein forms L69fs.
Identifiers: ClinVar variation 2566915 (VCV002566915.2), dbSNP rs2539107148, ClinGen allele CA2580616312.